The following is an entry in ClinVar:

ClinVar aggregate classification (germline): Likely pathogenic (1 of 4 stars; one submission).

Conditions:
Mucopolysaccharidosis, MPS-IV-A (MPS4A). Also called: Morquio syndrome A, mild; MORQUIO SYNDROME A; GALACTOSAMINE-6-SULFATASE DEFICIENCY; GALNS DEFICIENCY; MORQUIO A DISEASE; Mucopolysaccharidosis type IV A. Identifiers: Orphanet 309297, Orphanet 582, MedGen C0086651, MONDO:0009659, OMIM 253000.

gnomAD v4.1: 36 of 702,692 alleles (0.0051%); highest among the groups gnomAD compares: Non-Finnish European, 0.0088%; 1 homozygote.

Submission:

Laboratory of Inherited Metabolic Diseases, Research centre for medical genetics
Classification: Likely pathogenic for Mucopolysaccharidosis, MPS-IV-A. Last evaluated: 2025-01-26. Review status: criteria provided, single submitter. Criteria: ACMG Guidelines, 2015. Collection method: research. Allele origin: unknown. Affected: no.
Comment: Minigene assay demonstrated insertion of a 100 bp pseudoexon.

NM_000512.5(GALNS):c.120+1336A>G

Gene: GALNS (galactosamine (N-acetyl)-6-sulfatase; minus strand). Cytogenetic location: 16q24.3.
Variant type: single nucleotide variant.
Coding change: c.120+1336A>G on transcript NM_000512.5 (MANE Select); 1336 bases into the intron after coding-DNA position 120, A replaced by G.
Molecular consequence: intron variant.
Genome position (GRCh38, 1-based): chr16:88,855,422, T>C on the plus strand (A>G on the coding strand, the complement: GALNS is on the minus strand). VCF-style: chr16-88855422-T-C. GRCh37 (hg19) VCF-style: chr16-88921830-T-C.
Other names: c.-312+1336A>G (NM_001323543.2); c.-33+1336A>G (NM_001323544.2).
Identifiers: ClinVar variation 3600989 (VCV003600989.1).